The following is an entry in ClinVar:

ClinVar aggregate classification (germline): Conflicting classifications of pathogenicity. Review status: criteria provided, conflicting classifications (1 of 4 stars). 2 submissions from 2 submitters: Likely pathogenic (1); Uncertain significance (1). Last evaluated 2024-12-18.

Conditions:
PKHD1-related disorder. Also called: PKHD1-related condition.

Submissions (2):

PreventionGenetics, part of Exact Sciences
Classification: Likely pathogenic for PKHD1-related condition. Last evaluated: 2024-12-18. Review status: criteria provided, single submitter. Criteria: ACMG Guidelines, 2015. Collection method: clinical testing. Allele origin: germline.
Comment: The PKHD1 c.6239G>A variant is predicted to result in the amino acid substitution p.Ser2080Asn. This variant was reported in the compound heterozygous state with the well-documented pathogenic variant c.107C>T (p.Thr36Met) in individuals with autosomal recessive polycystic kidney disease (ARPKD) (Bergmann et al. 2005. PubMed ID: 15698423; Supplementary Table S3, Burgmaier et al. 2021. PubMed ID: 33940108). This variant has not been reported in a large population database (gnomAD), indicating this variant is rare. This variant is interpreted as likely pathogenic.

Women's Health and Genetics/Laboratory Corporation of America, LabCorp
Classification: Uncertain significance. Last evaluated: 2024-05-10. Review status: criteria provided, single submitter. Criteria: LabCorp Variant Classification Summary - May 2015. Collection method: clinical testing. Allele origin: germline.
Comment: Variant summary: PKHD1 c.6239G>A (p.Ser2080Asn) results in a conservative amino acid change in the encoded protein sequence. Four of five in-silico tools predict a benign effect of the variant on protein function. The variant was absent in 251214 control chromosomes. The available data on variant occurrences in the general population are insufficient to allow any conclusion about variant significance. c.6239G>A has been reported in the literature in at least one compound heterozygous individual affected with Polycystic Kidney And Hepatic Disease (example: Bergmann_2005). These data do not allow any conclusion about variant significance. To our knowledge, no experimental evidence demonstrating an impact on protein function has been reported. The following publication has been ascertained in the context of this evaluation (PMID: 15698423). No submitters have cited clinical-significance assessments for this variant to ClinVar. Based on the evidence outlined above, the variant was classified as uncertain significance.

Literature cited by the submitters: PubMed 15698423 (cited by Women's Health and Genetics/Laboratory Corporation of America, LabCorp).

NM_138694.4(PKHD1):c.6239G>A (p.Ser2080Asn)

Gene: PKHD1 (PKHD1 ciliary IPT domain containing fibrocystin/polyductin; minus strand). Cytogenetic location: 6p12.2.
Variant type: single nucleotide variant.
Coding change: c.6239G>A on transcript NM_138694.4 (MANE Select); coding-DNA position 6239, G replaced by A.
Protein change: p.Ser2080Asn; replaces serine 2080 with asparagine.
Molecular consequence: missense variant.
Genome position (GRCh38, 1-based): chr6:51,912,459, C>T on the plus strand (G>A on the coding strand, the complement: PKHD1 is on the minus strand). VCF-style: chr6-51912459-C-T. GRCh37 (hg19) VCF-style: chr6-51777257-C-T.
Other names: c.6239G>A (NM_138694.3); c.6239G>A, p.Ser2080Asn (NM_170724.3); short protein forms S2080N.
Identifiers: ClinVar variation 3336044 (VCV003336044.2).